The following is an entry in ClinVar:

NM_001079537.2(TRAPPC6B):c.82-2A>G

Gene: TRAPPC6B (trafficking protein particle complex subunit 6B; minus strand). Cytogenetic location: 14q21.1.
Variant type: single nucleotide variant.
Coding change: c.82-2A>G on transcript NM_001079537.2 (MANE Select); the canonical splice acceptor site of the intron before coding-DNA position 82, A replaced by G.
Molecular consequence: splice acceptor variant.
Genome position (GRCh38, 1-based): chr14:39,159,552, T>C on the plus strand (A>G on the coding strand, the complement: TRAPPC6B is on the minus strand). VCF-style: chr14-39159552-T-C. GRCh37 (hg19) VCF-style: chr14-39628756-T-C.
Other names: c.82-2A>G (NM_177452.4).
Identifiers: ClinVar variation 1691780 (VCV001691780.13), dbSNP rs761878844, ClinGen allele CA7162867.

ClinVar aggregate classification (germline): Pathogenic. Review status: criteria provided, multiple submitters, no conflicts (2 of 4 stars). 3 submissions from 3 submitters: Pathogenic (3). Last evaluated 2026-09-17.

Conditions:
Neurodevelopmental disorder with microcephaly, epilepsy, and brain atrophy. Identifiers: MedGen C4693390, MONDO:0060640, OMIM 617862.

Allele frequency attached by ClinVar (database versions not stated): gnomAD exomes 0.00001 and 0.00005; ExAC 0.00005.
gnomAD v4.1: 17 of 1,601,000 alleles (0.0011%); highest among the groups gnomAD compares: Admixed American, 0.022%; no homozygotes.

Submissions (4):

GeneDx
Classification: Pathogenic. Last evaluated: 2026-09-17. Review status: criteria provided, single submitter. Criteria: GeneDx Variant Classification Process June 2021. Collection method: clinical testing. Allele origin: germline.
Comment: Canonical splice site variant predicted to result in a null allele in a gene for which loss of function is a known mechanism of disease; This variant is associated with the following publications: (PMID: 28626029, 35150401)

Labcorp Genetics (formerly Invitae), Labcorp
Classification: Pathogenic. Last evaluated: 2023-10-12. Review status: criteria provided, single submitter. Criteria: Invitae Variant Classification Sherloc (09022015). Collection method: clinical testing. Allele origin: germline.
Comment: This sequence change affects an acceptor splice site in intron 1 of the TRAPPC6B gene. RNA analysis indicates that disruption of this splice site induces altered splicing and may result in an absent or disrupted protein product. This variant is present in population databases (rs761878844, gnomAD 0.03%). Disruption of this splice site has been observed in individual(s) with neurodevelopmental disorder (PMID: 28626029). It has also been observed to segregate with disease in related individuals. ClinVar contains an entry for this variant (Variation ID: 1691780). Studies have shown that disruption of this splice site results in skipping of exon 2 and introduces a premature termination codon (PMID: 28626029). The resulting mRNA is expected to undergo nonsense-mediated decay. For these reasons, this variant has been classified as Pathogenic.

Department of Pathology and Laboratory Medicine, Sinai Health System
Classification: Pathogenic for Neurodevelopmental disorder with microcephaly, epilepsy, and brain atrophy. Last evaluated: 2023-04-23. Review status: criteria provided, single submitter. Criteria: ACMG Guidelines, 2015. Collection method: research. Allele origin: germline.

Dr. Peter K. Rogan Lab, Western University
No classification provided (evidence only). Condition: Colorectal cancer. Review status: no classification provided. Collection method: in vitro. Allele origin: not applicable. Functional consequence: skipped exon, retained intron. Not counted in ClinVar's aggregate classification.

Literature cited by the submitters: PubMed 28626029 (cited by Labcorp Genetics (formerly Invitae), Labcorp).